The following is an entry in ClinVar:

ClinVar aggregate classification (germline): Conflicting classifications of pathogenicity. Review status: criteria provided, conflicting classifications (1 of 4 stars). 4 submissions from 4 submitters: Uncertain significance (2); Benign (1); Likely benign (1). Last evaluated 2026-07-06.

Conditions:
Hereditary cancer-predisposing syndrome. Also called: Neoplastic Syndromes, Hereditary; Hereditary neoplastic syndrome; Hereditary Cancer Syndrome; Tumor predisposition. Identifiers: Orphanet 140162, MedGen C0027672, MeSH D009386, MONDO:0015356.
Cardiovascular phenotype. Identifiers: MedGen CN230736.
Neurofibromatosis, type 1 (NF1). Also called: VON RECKLINGHAUSEN DISEASE; Neurofibromatosis, type I; Peripheral type neurofibromatosis; NEUROFIBROMATOSIS, TYPE I, SOMATIC. Identifiers: Orphanet 636, MedGen C0027831, MONDO:0018975, OMIM 162200. Disease mechanism: loss of function.

Allele frequency attached by ClinVar (database versions not stated): gnomAD exomes below 0.00001; TOPMed below 0.00001; ExAC 0.00001; gnomAD 0.00001.
gnomAD v4.1: 8 of 1,611,136 alleles (0.0005%); highest among the groups gnomAD compares: South Asian, 0.0044%; no homozygotes.

Submissions (4):

Ambry Genetics
Classification: Likely benign for Cardiovascular phenotype; Hereditary cancer-predisposing syndrome. Last evaluated: 2026-07-06. Review status: criteria provided, single submitter. Criteria: Ambry Variant Classification Scheme 2023. Collection method: clinical testing. Allele origin: germline.

Labcorp Genetics (formerly Invitae), Labcorp
Classification: Benign for Neurofibromatosis, type 1. Last evaluated: 2026-01-05. Review status: criteria provided, single submitter. Criteria: Invitae Variant Classification Sherloc (09022015). Collection method: clinical testing. Allele origin: germline.

Quest Diagnostics Nichols Institute San Juan Capistrano
Classification: Uncertain significance. Last evaluated: 2025-03-06. Review status: criteria provided, single submitter. Criteria: Quest Diagnostics criteria. Collection method: clinical testing. Allele origin: unknown.

GeneDx
Classification: Uncertain significance. Last evaluated: 2023-11-10. Review status: criteria provided, single submitter. Criteria: GeneDx Variant Classification Process June 2021. Collection method: clinical testing. Allele origin: germline. Affected: yes.
Comment: In silico analysis supports that this missense variant does not alter protein structure/function; Has not been previously published as pathogenic or benign to our knowledge; This variant is associated with the following publications: (PMID: 30274822, 25486365, 2121369)

NM_001042492.3(NF1):c.3166G>A (p.Ala1056Thr)

Gene: NF1 (neurofibromin 1; plus strand). Cytogenetic location: 17q11.2.
Variant type: single nucleotide variant.
Coding change: c.3166G>A on transcript NM_001042492.3 (MANE Select); coding-DNA position 3166, G replaced by A.
Protein change: p.Ala1056Thr; replaces alanine 1056 with threonine.
Molecular consequence: missense variant.
Genome position (GRCh38, 1-based): chr17:31,230,894, G>A. VCF-style: chr17-31230894-G-A. GRCh37 (hg19) VCF-style: chr17-29557912-G-A.
Other names: c.3166G>A, p.Ala1056Thr (NM_000267.4); short protein forms A1056T.
Identifiers: ClinVar variation 457627 (VCV000457627.13), dbSNP rs776907522, ClinGen allele CA8486101.
Genomic context (GRCh38, chr17:31,230,894, plus strand): 5'-TTCTATAGGAATAAGATGGTAGAATACCTGACAGACTGGGTTATGGGAACATCAAACCAA[G>A]CAGCAGATGATGATGTAAAATGTCTTACAAGGTAAAAAAAGAATGACCTTCAAGTATTAG-3'
Protein context (NP_001035957.1, residues 1046-1066): TDWVMGTSNQ[Ala1056Thr]ADDDVKCLTR